The following is an entry in ClinVar:

ClinVar aggregate classification (germline): Uncertain significance (1 of 4 stars; one submission).

Conditions:
Primary immunodeficiency with post-measles-mumps-rubella vaccine viral infection. Also called: Immunodeficiency 44. Identifiers: Orphanet 431166, MedGen C4225260, MONDO:0014715, OMIM 616636.

Allele frequency attached by ClinVar (database versions not stated): gnomAD exomes below 0.00001; gnomAD 0.00001; TOPMed 0.00001; ExAC 0.00002; ESP Exome Variant Server 0.00008; 1000 Genomes Project 30x 0.00016.
gnomAD v4.1: 8 of 1,614,176 alleles (0.0005%); highest among the groups gnomAD compares: Non-Finnish European, 0.00068%; no homozygotes.

Submission:

Labcorp Genetics (formerly Invitae), Labcorp
Classification: Uncertain significance for Primary immunodeficiency with post-measles-mumps-rubella vaccine viral infection. Last evaluated: 2023-07-17. Review status: criteria provided, single submitter. Criteria: Invitae Variant Classification Sherloc (09022015). Collection method: clinical testing. Allele origin: germline.
Comment: In summary, the available evidence is currently insufficient to determine the role of this variant in disease. Therefore, it has been classified as a Variant of Uncertain Significance. Advanced modeling of protein sequence and biophysical properties (such as structural, functional, and spatial information, amino acid conservation, physicochemical variation, residue mobility, and thermodynamic stability) performed at Invitae indicates that this missense variant is expected to disrupt STAT2 protein function. This variant has not been reported in the literature in individuals affected with STAT2-related conditions. This variant is present in population databases (rs143059589, gnomAD 0.002%). This sequence change replaces threonine, which is neutral and polar, with methionine, which is neutral and non-polar, at codon 632 of the STAT2 protein (p.Thr632Met).

NM_005419.4(STAT2):c.1895C>T (p.Thr632Met)

Gene: STAT2 (signal transducer and activator of transcription 2; minus strand). Cytogenetic location: 12q13.3.
Variant type: single nucleotide variant.
Coding change: c.1895C>T on transcript NM_005419.4 (MANE Select); coding-DNA position 1895, C replaced by T.
Protein change: p.Thr632Met; replaces threonine 632 with methionine.
Molecular consequence: missense variant.
Genome position (GRCh38, 1-based): chr12:56,346,591, G>A on the plus strand (C>T on the coding strand, the complement: STAT2 is on the minus strand). VCF-style: chr12-56346591-G-A. GRCh37 (hg19) VCF-style: chr12-56740375-G-A.
Other names: c.1862C>T, p.Thr621Met (NM_001385110.1); c.1796C>T, p.Thr599Met (NM_001385111.1); c.1895C>T, p.Thr632Met (NM_001385113.1); c.1874C>T, p.Thr625Met (NM_001385114.1); c.1853C>T, p.Thr618Met (NM_001385115.1); c.1883C>T, p.Thr628Met (NM_198332.2); short protein forms T618M, T621M, T599M, T625M, T632M, T628M.
Identifiers: ClinVar variation 2882355 (VCV002882355.2), dbSNP rs143059589, ClinGen allele CA6630366.